The following is an entry in ClinVar:

ClinVar aggregate classification (germline): Uncertain significance (1 of 4 stars; one submission).

Conditions:
Brain malformations with or without urinary tract defects. Also called: Brain malformations and urinary tract defects. Identifiers: MedGen C4478940, MONDO:0100478, OMIM 613735.

Allele frequency attached by ClinVar (database versions not stated): gnomAD exomes below 0.00001.
gnomAD v4.1: 1 of 1,614,114 alleles (0.000062%); highest among the groups gnomAD compares: Non-Finnish European, 0.000085%; no homozygotes.

Submission:

Victorian Clinical Genetics Services, Murdoch Childrens Research Institute
Classification: Uncertain significance for Brain malformations with or without urinary tract defects. Last evaluated: 2020-05-26. Review status: criteria provided, single submitter. Criteria: ACMG Guidelines, 2015. Collection method: clinical testing. Allele origin: germline. Inheritance: Autosomal dominant inheritance. Affected: yes.
Comment: Based on the classification scheme VCGS_Germline_v1.1.1, this variant is classified as a 3C-VUS. Following criteria are met: 0102 - Loss-of-function is a known mechanism of disease for this gene. (N) 0107 - This gene is known to be associated with autosomal dominant disease. (N) 0200 - Variant is predicted to result in a missense amino acid change from isoleucine to methionine (exon 2). (N) 0251 - Variant is heterozygous. (N) 0301 - Variant is absent from gnomAD. (P) 0502 - Missense variant with conflicting in silico predictions and/or uninformative conservation. (N) 0600 - Variant is located in an annotated domain or motif, (MH1 domain; PDB, NCBI). (N) 0705 - No comparable variants have previous evidence for pathogenicity. (N) 0807 - Variant has not previously been reported in a clinical context. (N) 0905 - No segregation evidence has been identified for this variant. (N) 1007 - No published functional evidence has been identified for this variant. (N) Legend: (P) - Pathogenic, (N) - Neutral, (B) - Benign

NM_001134673.4(NFIA):c.504A>G (p.Ile168Met)

Gene: NFIA (nuclear factor I A; plus strand). Cytogenetic location: 1p31.3.
Variant type: single nucleotide variant.
Coding change: c.504A>G on transcript NM_001134673.4 (MANE Select); coding-DNA position 504, A replaced by G.
Protein change: p.Ile168Met; replaces isoleucine 168 with methionine.
Molecular consequence: missense variant.
Genome position (GRCh38, 1-based): chr1:61,088,625, A>G. VCF-style: chr1-61088625-A-G. GRCh37 (hg19) VCF-style: chr1-61554297-A-G.
Other names: c.480A>G, p.Ile160Met (NM_001145511.2); c.639A>G, p.Ile213Met (NM_001145512.2); c.504A>G, p.Ile168Met (NM_005595.5); short protein forms I160M, I168M, I213M.
Identifiers: ClinVar variation 1805329 (VCV001805329.2), dbSNP rs2524201499, ClinGen allele CA340587202.